The following is an entry in ClinVar:

ClinVar aggregate classification (germline): Likely benign (1 of 4 stars; one submission).

Allele frequency attached by ClinVar (database versions not stated): ExAC 0.00002; gnomAD 0.00002; gnomAD exomes 0.00004; TOPMed 0.00005; 1000 Genomes Project 30x 0.00016.

Submission:

CeGaT Center for Human Genetics Tuebingen
Classification: Likely benign. Last evaluated: 2022-12-01. Review status: criteria provided, single submitter. Criteria: CeGaT Center For Human Genetics Tuebingen Variant Classification Criteria Version 2. Collection method: clinical testing. Allele origin: germline. Affected: yes. Observed: 1 variant allele.
Comment: NMUR2: BP4, BP7

NM_020167.5(NMUR2):c.279G>A (p.Leu93=)

Gene: NMUR2 (neuromedin U receptor 2; minus strand). Cytogenetic location: 5q33.1.
Variant type: single nucleotide variant.
Coding change: c.279G>A on transcript NM_020167.5 (MANE Select); coding-DNA position 279, G replaced by A.
Protein change: p.Leu93=; no amino-acid change (leucine 93 retained).
Molecular consequence: synonymous variant.
Genome position (GRCh38, 1-based): chr5:152,404,835, C>T on the plus strand (G>A on the coding strand, the complement: NMUR2 is on the minus strand). VCF-style: chr5-152404835-C-T. GRCh37 (hg19) VCF-style: chr5-151784396-C-T.
Identifiers: ClinVar variation 2655973 (VCV002655973.24), dbSNP rs764633317, ClinGen allele CA3524097.